The following is an entry in ClinVar:

ClinVar aggregate classification (germline): Uncertain significance (1 of 4 stars; one submission).

Conditions:
Cardiovascular phenotype. Identifiers: MedGen CN230736.

Allele frequency attached by ClinVar (database versions not stated): TOPMed 0.00001.

Submission:

Ambry Genetics
Classification: Uncertain significance for Cardiovascular phenotype. Last evaluated: 2022-04-11. Review status: criteria provided, single submitter. Criteria: Ambry Variant Classification Scheme 2023. Collection method: clinical testing. Allele origin: germline.
Comment: The c.70297+2T>C intronic variant results from a T to C substitution two nucleotides after coding exon 176 in the TTN gene. Exon 176 is located in the A-band region of the N2-B isoform of the titin protein and is constitutively expressed in TTN transcripts (percent spliced in or PSI 100%). This variant has been detected in an early-onset atrial fibrillation cohort (Choi SH et al. JAMA, 2018 12;320:2354-2364). In silico splice site analysis predicts that this alteration will weaken the native splice donor site. Alterations that disrupt the canonical splice site are expected to cause aberrant splicing, resulting in an abnormal protein or a transcript that is subject to nonsense-mediated mRNA decay; however, the resulting transcript is predicted to be in-frame and is not expected to trigger nonsense-mediated mRNA decay. Additionally, +2T>C alterations are capable of generating wild-type transcripts in some genomic contexts and should be interpreted with caution (Lin JH et al. Hum Mutat. 2019 10;40:1856-1873). This nucleotide position is highly conserved in available vertebrate species. Since supporting evidence is limited at this time, the clinical significance of this alteration remains unclear.

Literature cited by the submitters: PubMed 30535219.

NM_001267550.2(TTN):c.97492+2T>C

Genes: TTN (titin; minus strand), TTN-AS1 (TTN antisense RNA 1; plus strand). Cytogenetic location: 2q31.2.
Variant type: single nucleotide variant.
Coding change: c.97492+2T>C on transcript NM_001267550.2 (MANE Select); the canonical splice donor site of the intron after coding-DNA position 97492, T replaced by C.
Molecular consequence: splice donor variant. On other transcripts: non-coding transcript variant (1).
Genome position (GRCh38, 1-based): chr2:178,542,262, A>G on the plus strand (T>C on the coding strand, the complement: TTN is on the minus strand). VCF-style: chr2-178542262-A-G. GRCh37 (hg19) VCF-style: chr2-179406989-A-G.
Other names: c.70297+2T>C (NM_003319.4); c.70873+2T>C (NM_133437.4); c.70672+2T>C (NM_133432.3); c.89788+2T>C (NM_133378.4); c.92569+2T>C (NM_001256850.1).
Identifiers: ClinVar variation 1756754 (VCV001756754.2), dbSNP rs1281522814, ClinGen allele CA349438994.